The following is an entry in ClinVar:

ClinVar aggregate classification (germline): Benign/Likely benign. Review status: criteria provided, multiple submitters, no conflicts (2 of 4 stars). 22 submissions from 15 submitters: Benign (17); Likely benign (2). 3 of the submissions do not count toward it. Last evaluated 2026-02-04.

Conditions:
Cardiovascular phenotype. Identifiers: MedGen CN230736.
Dilated cardiomyopathy 1G (CMD1G). Identifiers: Orphanet 154, MedGen C1858763, MONDO:0011400, OMIM 604145.
Autosomal recessive limb-girdle muscular dystrophy type 2J (LGMDR10). Also called: MUSCULAR DYSTROPHY, LIMB-GIRDLE, AUTOSOMAL RECESSIVE 10; Limb-girdle muscular dystrophy, type 2J. Identifiers: Orphanet 140922, MedGen C1837342, MONDO:0012127, OMIM 608807.
Early-onset myopathy with fatal cardiomyopathy (CMYO5). Also called: CONGENITAL MYOPATHY 5 WITH CARDIOMYOPATHY; Salih Myopathy. Identifiers: Orphanet 289377, MedGen C2673677, MONDO:0012714, OMIM 611705. Disease mechanism: loss of function.
Myopathy, myofibrillar, 9, with early respiratory failure (MFM9). Also called: Myopathy, distal, with early respiratory failure, autosomal dominant; Hereditary myopathy with early respiratory failure; MYOPATHY, PROXIMAL, WITH EARLY RESPIRATORY MUSCLE INVOLVEMENT; EDSTROM MYOPATHY. Identifiers: Orphanet 178464, Orphanet 34521, MedGen C1863599, MONDO:0011362, OMIM 603689.
Tibial muscular dystrophy (TMD). Also called: Udd Distal Myopathy – Tibial Muscular Dystrophy; Tibial muscular dystrophy, tardive; UDD MYOPATHY. Identifiers: Orphanet 609, MedGen C1838244, MONDO:0010870, OMIM 600334.

Allele frequency attached by ClinVar (database versions not stated): ESP Exome Variant Server 0.01276; ExAC 0.02511; gnomAD 0.01635 and 0.01832; TOPMed 0.02047; gnomAD exomes 0.02680; 1000 Genomes Project 0.04253; 1000 Genomes Project 30x 0.03966.

Submissions (22):

Labcorp Genetics (formerly Invitae), Labcorp
Classification: Benign for Dilated cardiomyopathy 1G; Autosomal recessive limb-girdle muscular dystrophy type 2J. Last evaluated: 2026-02-04. Review status: criteria provided, single submitter. Criteria: Invitae Variant Classification Sherloc (09022015). Collection method: clinical testing. Allele origin: germline.

Molecular Diagnostic Laboratory for Inherited Cardiovascular Disease, Montreal Heart Institute
Classification: Benign. Last evaluated: 2025-04-09. Review status: criteria provided, single submitter. Criteria: ACMG Guidelines, 2015. Collection method: clinical testing. Allele origin: germline. Affected: no.

Genome-Nilou Lab
Classification: Benign for Autosomal recessive limb-girdle muscular dystrophy type 2J. Last evaluated: 2021-09-10. Review status: criteria provided, single submitter. Criteria: ACMG Guidelines, 2015. Collection method: clinical testing. Allele origin: germline. Affected: no.

Genome-Nilou Lab
Classification: Benign for Myopathy, myofibrillar, 9, with early respiratory failure. Last evaluated: 2021-09-10. Review status: criteria provided, single submitter. Criteria: ACMG Guidelines, 2015. Collection method: clinical testing. Allele origin: germline. Affected: no.

Genome-Nilou Lab
Classification: Benign for Early-onset myopathy with fatal cardiomyopathy. Last evaluated: 2021-09-10. Review status: criteria provided, single submitter. Criteria: ACMG Guidelines, 2015. Collection method: clinical testing. Allele origin: germline. Affected: no.

Genome-Nilou Lab
Classification: Benign for Tibial muscular dystrophy. Last evaluated: 2021-09-10. Review status: criteria provided, single submitter. Criteria: ACMG Guidelines, 2015. Collection method: clinical testing. Allele origin: germline. Affected: no.

Women's Health and Genetics/Laboratory Corporation of America, LabCorp
Classification: Likely benign. Last evaluated: 2020-01-06. Review status: criteria provided, single submitter. Criteria: LabCorp Variant Classification Summary - May 2015. Collection method: clinical testing. Allele origin: germline.

Mayo Clinic Laboratories, Mayo Clinic
Classification: Benign. Last evaluated: 2018-05-24. Review status: criteria provided, single submitter. Criteria: ACMG Guidelines, 2015. Collection method: clinical testing. Allele origin: germline. Observed: 109 variant alleles.

Illumina Laboratory Services, Illumina
Classification: Benign for Dilated cardiomyopathy 1G. Last evaluated: 2018-01-12. Review status: criteria provided, single submitter. Criteria: ICSL Variant Classification Criteria 13 December 2019. Collection method: clinical testing. Allele origin: germline.
Comment: This variant was observed in the ICSL laboratory as part of a predisposition screen in an ostensibly healthy population. It had not been previously curated by ICSL or reported in the Human Gene Mutation Database (HGMD: prior to June 1st, 2018), and was therefore a candidate for classification through an automated scoring system. Utilizing variant allele frequency, disease prevalence and penetrance estimates, and inheritance mode, an automated score was calculated to assess if this variant is too frequent to cause the disease. Based on the score and internal cut-off values, a variant classified as benign is not then subjected to further curation. The score for this variant resulted in a classification of benign for this disease.

Illumina Laboratory Services, Illumina
Classification: Benign for Early-onset myopathy with fatal cardiomyopathy. Last evaluated: 2018-01-12. Review status: criteria provided, single submitter. Criteria: ICSL Variant Classification Criteria 13 December 2019. Collection method: clinical testing. Allele origin: germline.
Comment: the same text as in the submission from Illumina Laboratory Services, Illumina above.

Illumina Laboratory Services, Illumina
Classification: Benign for Autosomal recessive limb-girdle muscular dystrophy type 2J. Last evaluated: 2018-01-12. Review status: criteria provided, single submitter. Criteria: ICSL Variant Classification Criteria 13 December 2019. Collection method: clinical testing. Allele origin: germline.
Comment: the same text as in the submission from Illumina Laboratory Services, Illumina above.

Illumina Laboratory Services, Illumina
Classification: Benign for Myopathy, myofibrillar, 9, with early respiratory failure. Last evaluated: 2018-01-12. Review status: criteria provided, single submitter. Criteria: ICSL Variant Classification Criteria 13 December 2019. Collection method: clinical testing. Allele origin: germline.
Comment: the same text as in the submission from Illumina Laboratory Services, Illumina above.

Illumina Laboratory Services, Illumina
Classification: Benign for Tibial muscular dystrophy. Last evaluated: 2018-01-12. Review status: criteria provided, single submitter. Criteria: ICSL Variant Classification Criteria 13 December 2019. Collection method: clinical testing. Allele origin: germline.
Comment: the same text as in the submission from Illumina Laboratory Services, Illumina above.

Biesecker Lab/Clinical Genomics Section, National Institutes of Health
Classification: Benign. Last evaluated: 2013-06-24. Review status: criteria provided, single submitter. Criteria: Ng et al. (Circ Cardiovasc Genet. 2013). Collection method: research. Allele origin: unknown. Observed: 29 variant alleles. Study: ClinSeq.
Comment: The study set was not selected for affection status in relation to any cancer. Pathogenicity categories were based on literature curation. See Pubmed ID:23861362 for details.

Medical sequencing

Ambry Genetics
Classification: Benign for Cardiovascular phenotype. Last evaluated: 2013-01-16. Review status: criteria provided, single submitter. Criteria: Ambry Autosomal Dominant and X-Linked criteria (10/2015). Collection method: clinical testing. Allele origin: germline. Observed: 1 variant allele.

GeneDx
Classification: Benign. Last evaluated: 2012-10-31. Review status: criteria provided, single submitter. Criteria: GeneDx Variant Classification (06012015). Collection method: clinical testing. Allele origin: germline. Affected: yes.
Comment: This variant is considered likely benign or benign based on one or more of the following criteria: it is a conservative change, it occurs at a poorly conserved position in the protein, it is predicted to be benign by multiple in silico algorithms, and/or has population frequency not consistent with disease.

Laboratory for Molecular Medicine, Mass General Brigham Personalized Medicine
Classification: Benign. Last evaluated: 2012-05-22. Review status: criteria provided, single submitter. Criteria: LMM Criteria. Collection method: clinical testing. Allele origin: germline. Observed: 69 variant alleles.

Breakthrough Genomics
Classification: Likely benign. Review status: criteria provided, single submitter. Criteria: ACMG Guidelines, 2015. Collection method: not provided. Allele origin: germline. Inheritance: Autosomal recessive inheritance. Affected: yes.

PreventionGenetics, part of Exact Sciences
Classification: Benign. Review status: criteria provided, single submitter. Criteria: ACMG Guidelines, 2015. Collection method: clinical testing. Allele origin: germline.

Clinical Genetics, Academic Medical Center
Classification: Benign. Review status: no assertion criteria provided. Collection method: clinical testing. Allele origin: germline. Affected: yes. Study: VKGL Data-share Consensus. Not counted in ClinVar's aggregate classification.

Genetic Services Laboratory, University of Chicago
Classification: Likely benign for AllHighlyPenetrant. Review status: no assertion criteria provided. Collection method: clinical testing. Allele origin: germline. Not counted in ClinVar's aggregate classification.
Comment: Likely benign based on allele frequency in 1000 Genomes Project or ESP global frequency and its presence in a patient with a rare or unrelated disease phenotype. NOT Sanger confirmed.

Laboratory of Diagnostic Genome Analysis, Leiden University Medical Center (LUMC)
Classification: Likely benign. Review status: no assertion criteria provided. Collection method: clinical testing. Allele origin: germline. Affected: yes. Study: VKGL Data-share Consensus. Not counted in ClinVar's aggregate classification.

NM_001267550.2(TTN):c.98164A>T (p.Ile32722Phe)

Genes: TTN (titin; minus strand), TTN-AS1 (TTN antisense RNA 1; plus strand). Cytogenetic location: 2q31.2.
Variant type: single nucleotide variant.
Coding change: c.98164A>T on transcript NM_001267550.2 (MANE Select); coding-DNA position 98164, A replaced by T.
Protein change: p.Ile32722Phe; replaces isoleucine 32722 with phenylalanine.
Molecular consequence: missense variant.
Genome position (GRCh38, 1-based): chr2:178,539,901, T>A on the plus strand (A>T on the coding strand, the complement: TTN is on the minus strand). VCF-style: chr2-178539901-T-A. GRCh37 (hg19) VCF-style: chr2-179404628-T-A.
Other names: p.I30154F:ATC>TTC; c.71545A>T, p.Ile23849Phe (NM_133437.4); c.93241A>T, p.Ile31081Phe (NM_001256850.1); c.70969A>T, p.Ile23657Phe (NM_003319.4); c.90460A>T, p.Ile30154Phe (NM_133378.4); c.71344A>T, p.Ile23782Phe (NM_133432.3); short protein forms I32722F, I30154F, I31081F, I23849F, I23657F, I23782F.
Identifiers: ClinVar variation 47595 (VCV000047595.33), dbSNP rs72648270, ClinGen allele CA284159.